The following is an entry in ClinVar:

ClinVar aggregate classification (germline): Uncertain significance. Review status: criteria provided, multiple submitters, no conflicts (2 of 4 stars). 2 submissions from 2 submitters: Uncertain significance (2). Last evaluated 2022-05-28.

Conditions:
Koolen-de Vries syndrome (KDVS). Identifiers: Orphanet 96169, MedGen C1864871, MONDO:0012496, OMIM 610443.
Inborn genetic diseases. Identifiers: MedGen C0950123, MeSH D030342.

gnomAD v4.1: 2 of 1,604,666 alleles (0.00012%); highest among the groups gnomAD compares: Non-Finnish European, 0.00017%; no homozygotes.

Submissions (2):

Labcorp Genetics (formerly Invitae), Labcorp
Classification: Uncertain significance for Koolen-de Vries syndrome. Last evaluated: 2022-05-28. Review status: criteria provided, single submitter. Criteria: Invitae Variant Classification Sherloc (09022015). Collection method: clinical testing. Allele origin: germline.
Comment: This variant has not been reported in the literature in individuals affected with KANSL1-related conditions. Algorithms developed to predict the effect of missense changes on protein structure and function are either unavailable or do not agree on the potential impact of this missense change (SIFT: "Deleterious"; PolyPhen-2: "Probably Damaging"; Align-GVGD: "Class C0"). In summary, the available evidence is currently insufficient to determine the role of this variant in disease. Therefore, it has been classified as a Variant of Uncertain Significance. This sequence change replaces histidine, which is basic and polar, with glutamine, which is neutral and polar, at codon 1104 of the KANSL1 protein (p.His1104Gln). This variant is present in population databases (no rsID available, gnomAD 0.0009%).

Ambry Genetics
Classification: Uncertain significance for Inborn genetic diseases. Last evaluated: 2022-03-25. Review status: criteria provided, single submitter. Criteria: Ambry Variant Classification Scheme 2023. Collection method: clinical testing. Allele origin: germline.

NM_015443.4(KANSL1):c.3312C>G (p.His1104Gln)

Gene: KANSL1 (KAT8 regulatory NSL complex subunit 1). Cytogenetic location: 17q21.31.
Variant type: single nucleotide variant.
Coding change: c.3312C>G on transcript NM_015443.4 (MANE Select); coding-DNA position 3312, C replaced by G.
Protein change: p.His1104Gln; replaces histidine 1104 with glutamine.
Molecular consequence: missense variant.
Genome position (GRCh38, 1-based): chr17:46,031,482, G>C on the plus strand (C>G on the coding strand, the complement: KANSL1 is on the minus strand). VCF-style: chr17-46031482-G-C. GRCh37 (hg19) VCF-style: chr17-44108848-G-C.
Other names: c.3312C>G (NM_001193466.1); c.3309C>G, p.His1103Gln (NM_001193465.2, NM_001405856.1, NM_001405857.1 and 1 more transcripts); c.3312C>G, p.His1104Gln (NM_001193466.2, NM_001379198.1, NM_001405854.1 and 1 more transcripts); c.3210C>G, p.His1070Gln (NM_001405859.1, NM_001405860.1); c.3207C>G, p.His1069Gln (NM_001405861.1); c.3180C>G, p.His1060Gln (NM_001405872.1, NM_001405873.1, NM_001405874.1); c.3123C>G, p.His1041Gln (NM_001405875.1, NM_001405876.1, NM_001405877.1 and 1 more transcripts); c.3120C>G, p.His1040Gln (NM_001405879.1, NM_001405880.1); and 5 more; short protein forms H1041Q, H1025Q, H1070Q, H619Q, H682Q, H1040Q, H1069Q, H1103Q.
Identifiers: ClinVar variation 2157489 (VCV002157489.5), dbSNP rs1241193511, ClinGen allele CA399985392.